The following is an entry in ClinVar:

ClinVar aggregate classification (germline): Uncertain significance (1 of 4 stars; one submission).

Conditions:
Singleton-Merten syndrome 1 (SGMRT1). Also called: Widened medullary cavities of bone, aortic calcification, abnormal dentition, and muscular weakness; Syndrome of widened medullary cavities of the metacarpals and phalanges, aortic calcification and abnormal dentition. Identifiers: Orphanet 85191, MedGen C4225427, MONDO:0024535, OMIM 182250.
Aicardi-Goutieres syndrome 7 (AGS7). Identifiers: Orphanet 51, MedGen C3888244, MONDO:0014367, OMIM 615846.

Submission:

Labcorp Genetics (formerly Invitae), Labcorp
Classification: Uncertain significance for Aicardi-Goutieres syndrome 7; Singleton-Merten syndrome 1. Last evaluated: 2024-10-23. Review status: criteria provided, single submitter. Criteria: Invitae Variant Classification Sherloc (09022015). Collection method: clinical testing. Allele origin: germline.
Comment: This sequence change replaces methionine, which is neutral and non-polar, with threonine, which is neutral and polar, at codon 139 of the IFIH1 protein (p.Met139Thr). This variant is not present in population databases (gnomAD no frequency). This variant has not been reported in the literature in individuals affected with IFIH1-related conditions. ClinVar contains an entry for this variant (Variation ID: 2124953). An algorithm developed to predict the effect of missense changes on protein structure and function outputs the following: PolyPhen-2: "Benign". The threonine amino acid residue is found in multiple mammalian species, which suggests that this missense change does not adversely affect protein function. In summary, the available evidence is currently insufficient to determine the role of this variant in disease. Therefore, it has been classified as a Variant of Uncertain Significance.

NM_022168.4(IFIH1):c.416T>C (p.Met139Thr)

Gene: IFIH1 (interferon induced with helicase C domain 1; minus strand). Cytogenetic location: 2q24.2.
Variant type: single nucleotide variant.
Coding change: c.416T>C on transcript NM_022168.4 (MANE Select); coding-DNA position 416, T replaced by C.
Protein change: p.Met139Thr; replaces methionine 139 with threonine.
Molecular consequence: missense variant.
Genome position (GRCh38, 1-based): chr2:162,317,892, A>G on the plus strand (T>C on the coding strand, the complement: IFIH1 is on the minus strand). VCF-style: chr2-162317892-A-G. GRCh37 (hg19) VCF-style: chr2-163174402-A-G.
Other names: short protein forms M139T.
Identifiers: ClinVar variation 2124953 (VCV002124953.4), dbSNP rs2469005282, ClinGen allele CA349013366.